The following is an entry in ClinVar:

ClinVar aggregate classification (somatic clinical impact): Tier I - Strong (1 of 4 stars; one submission).

Conditions:
Low grade glioma. Identifiers: MedGen C1997217, MONDO:0021637.

Submission:

Institute for Genomic Medicine (IGM) Clinical Laboratory, Nationwide Children's Hospital
Classification: Tier I - Strong for Low grade glioma. Assertion type: diagnostic. Clinical significance: supports diagnosis. Last evaluated: 2025-07-15. Review status: criteria provided, single submitter. Criteria: AMP/ASCO/CAP Guidelines, 2017. Collection method: clinical testing. Allele origin: somatic. Affected: yes.
Comment: Variant has Tier I (strong) clinical significance as a diagnostic inclusion criterion in low grade glioma, based on the following evidence: 1) Documented in one or more cancer databases (e.g., St. Jude Pecan, COSMIC, CIViC, OncoKB). 2) Appears in one or more well-established professional guidelines (e.g., World Health Organization [WHO]; National Comprehensive Cancer Network [NCCN]) as providing diagnostic, prognostic, or therapeutic information. 3) Information in the literature supports potential biologic effect of variant (PMIDs: 28679432, 30575814). 4) Diagnostic for a specific tumor type/classification according to professional guidelines (Evidence Level A; PMIDs: 32289278, 23583981, 20156809, 28912153, 40335748, 32164789).

Literature cited by the submitters: PubMed 28679432; PubMed 30575814; PubMed 32289278; PubMed 23583981; PubMed 20156809; PubMed 28912153; PubMed 40335748; PubMed 32164789.

NM_004333.6(BRAF):c.1511_1517+2dup

Gene: BRAF (B-Raf proto-oncogene, serine/threonine kinase; minus strand). Cytogenetic location: 7q34.
Variant type: Duplication.
Coding change: c.1511_1517+2dup on transcript NM_004333.6 (MANE Select); coding-DNA position 1511 through the canonical splice donor site of the intron after coding-DNA position 1517, 9 bases duplicated (TACTCAGGT; older notation c.1511_1517+2dupTACTCAGGT).
Molecular consequence: splice donor variant.
Genome position (GRCh38, 1-based): chr7:140,777,989-140,777,997, ACCTGAGTA duplicated on the plus strand (TACTCAGGT on the coding strand, the reverse complement: BRAF is on the minus strand). VCF-style (leftmost placement, unchanged base first): chr7-140777988-C-CACCTGAGTA. GRCh37 (hg19) VCF-style: chr7-140477788-C-CACCTGAGTA.
Other names: c.1511_1517+2dup (NM_001378474.1, NM_001378468.1, NM_001354609.2); c.1409_1415+2dup (NM_001378470.1); c.1247_1253+2dup (NM_001378475.1); c.1400_1406+2dup (NM_001378471.1); c.1631_1637+2dup (NM_001374258.1, NM_001374244.1); c.1520_1526+2dup (NM_001378467.1); c.1355_1361+2dup (NM_001378472.1, NM_001378473.1); c.1445_1451+2dup (NM_001378469.1).
Identifiers: ClinVar variation 4530176 (VCV004530176.1).